The following is an entry in ClinVar:

NM_001206927.2(DNAH8):c.2177G>A (p.Arg726His)

Gene: DNAH8 (dynein axonemal heavy chain 8; plus strand). Cytogenetic location: 6p21.2.
Variant type: single nucleotide variant.
Coding change: c.2177G>A on transcript NM_001206927.2 (MANE Select); coding-DNA position 2177, G replaced by A.
Protein change: p.Arg726His; replaces arginine 726 with histidine.
Molecular consequence: missense variant.
Genome position (GRCh38, 1-based): chr6:38,781,291, G>A. VCF-style: chr6-38781291-G-A. GRCh37 (hg19) VCF-style: chr6-38749067-G-A.
Other names: c.1526G>A, p.Arg509His (NM_001371.4); short protein forms R726H, R509H.
Identifiers: ClinVar variation 1400756 (VCV001400756.4), dbSNP rs747524974, ClinGen allele CA3788442.

ClinVar aggregate classification (germline): Uncertain significance (1 of 4 stars; one submission).

Conditions:
Primary ciliary dyskinesia. Also called: Ciliary dyskinesia. Identifiers: Orphanet 244, MedGen C0008780, MONDO:0016575, HP:0012265.

Allele frequency attached by ClinVar (database versions not stated): TOPMed 0.00001; gnomAD 0.00002.
gnomAD v4.1: 55 of 1,612,580 alleles (0.0034%); highest among the groups gnomAD compares: East Asian, 0.0067%; no homozygotes.

Submission:

Labcorp Genetics (formerly Invitae), Labcorp
Classification: Uncertain significance for Primary ciliary dyskinesia. Last evaluated: 2023-10-13. Review status: criteria provided, single submitter. Criteria: Invitae Variant Classification Sherloc (09022015). Collection method: clinical testing. Allele origin: germline.
Comment: This sequence change replaces arginine, which is basic and polar, with histidine, which is basic and polar, at codon 726 of the DNAH8 protein (p.Arg726His). This variant is present in population databases (rs747524974, gnomAD 0.006%). This variant has not been reported in the literature in individuals affected with DNAH8-related conditions. ClinVar contains an entry for this variant (Variation ID: 1400756). Experimental studies and prediction algorithms are not available or were not evaluated, and the functional significance of this variant is currently unknown. Algorithms developed to predict the effect of sequence changes on RNA splicing suggest that this variant may disrupt the consensus splice site. In summary, the available evidence is currently insufficient to determine the role of this variant in disease. Therefore, it has been classified as a Variant of Uncertain Significance.